The following is an entry in ClinVar:

NM_002599.5(PDE2A):c.528C>A (p.Ser176Arg)

Gene: PDE2A (phosphodiesterase 2A; minus strand). Cytogenetic location: 11q13.4.
Variant type: single nucleotide variant.
Coding change: c.528C>A on transcript NM_002599.5 (MANE Select); coding-DNA position 528, C replaced by A.
Protein change: p.Ser176Arg; replaces serine 176 with arginine.
Molecular consequence: missense variant.
Genome position (GRCh38, 1-based): chr11:72,591,318, G>T on the plus strand (C>A on the coding strand, the complement: PDE2A is on the minus strand). VCF-style: chr11-72591318-G-T. GRCh37 (hg19) VCF-style: chr11-72302362-G-T.
Other names: c.507C>A, p.Ser169Arg (NM_001143839.4); c.501C>A, p.Ser167Arg (NM_001146209.3); c.465C>A, p.Ser155Arg (NM_001243784.2); short protein forms S155R, S167R, S169R, S176R.
Identifiers: ClinVar variation 2642126 (VCV002642126.24), dbSNP rs530088352, ClinGen allele CA6172525.

ClinVar aggregate classification (germline): Uncertain significance (1 of 4 stars; one submission).

Allele frequency attached by ClinVar (database versions not stated): TOPMed 0.00002; ExAC 0.00004; 1000 Genomes Project 30x 0.00016; 1000 Genomes Project 0.00020.
gnomAD v4.1: 16 of 1,613,804 alleles (0.00099%); highest among the groups gnomAD compares: East Asian, 0.029%; no homozygotes.

Submission:

CeGaT Center for Human Genetics Tuebingen
Classification: Uncertain significance. Last evaluated: 2023-02-01. Review status: criteria provided, single submitter. Criteria: CeGaT Center For Human Genetics Tuebingen Variant Classification Criteria Version 2. Collection method: clinical testing. Allele origin: germline. Affected: yes. Observed: 1 variant allele.
Comment: PDE2A: PM2, PP2